The following is an entry in ClinVar:

NM_020778.5(ALPK3):c.2543C>A (p.Pro848Gln)

Gene: ALPK3 (alpha kinase 3; plus strand). Cytogenetic location: 15q25.3.
Variant type: single nucleotide variant.
Coding change: c.2543C>A on transcript NM_020778.5 (MANE Select); coding-DNA position 2543, C replaced by A.
Protein change: p.Pro848Gln; replaces proline 848 with glutamine.
Molecular consequence: missense variant.
Genome position (GRCh38, 1-based): chr15:84,857,281, C>A. VCF-style: chr15-84857281-C-A. GRCh37 (hg19) VCF-style: chr15-85400512-C-A.
Other names: p.Pro1050Gln; short protein forms P848Q.
Identifiers: ClinVar variation 3380315 (VCV003380315.1).

ClinVar aggregate classification (germline): Uncertain significance (1 of 4 stars; one submission).

Submission:

Mayo Clinic Laboratories, Mayo Clinic
Classification: Uncertain significance. Last evaluated: 2024-08-01. Review status: criteria provided, single submitter. Criteria: ACMG Guidelines, 2015. Collection method: clinical testing. Allele origin: germline. Observed: 1 variant allele.
Comment: BP4, PM2